The following continues an entry in ClinVar:

NM_000018.4(ACADVL):c.1066A>G (p.Ile356Val)

Gene: ACADVL. ClinVar aggregate classification (germline): Uncertain significance. Uncertain significance (1).

Submissions 9 to 14 of 14:

Myriad Genetics, Inc.
Classification: Uncertain significance for Very long chain acyl-CoA dehydrogenase deficiency. Last evaluated: 2021-10-27. Review status: criteria provided, single submitter. Criteria: Myriad Women's Health Autosomal Recessive and X-Linked Classification Criteria (2021). Collection method: clinical testing. Allele origin: unknown. Not counted in ClinVar's aggregate classification.
Comment: NM_000018.3(ACADVL):c.1066A>G(I356V) is a missense variant classified as a variant of uncertain significance in the context of very-long-chain acyl-CoA dehydrogenase deficiency. I356V has been observed in cases with relevant disease (PMID: 20480395, 23867825, 27209629, 30194637, 33123633). Functional assessments of this variant are not available in the literature. I356V has been observed in population frequency databases (gnomAD: AFR 0.98%). In summary, there is insufficient evidence to classify NM_000018.3(ACADVL):c.1066A>G(I356V) as pathogenic or benign. Please note: this variant was assessed in the context of healthy population screening.

GeneDx
Classification: Benign. Last evaluated: 2021-02-18. Review status: criteria provided, single submitter. Criteria: GeneDx Variant Classification Process June 2021. Collection method: clinical testing. Allele origin: germline. Affected: yes. Not counted in ClinVar's aggregate classification.
Comment: This variant is associated with the following publications: (PMID: 23867825, 26385305, 27209629, 31031081)

Wong Mito Lab, Molecular and Human Genetics, Baylor College of Medicine
Classification: Benign for Very long chain acyl-CoA dehydrogenase deficiency. Last evaluated: 2019-11-01. Review status: criteria provided, single submitter. Criteria: ACMG Guidelines, 2015. Collection method: clinical testing. Allele origin: germline. Not counted in ClinVar's aggregate classification.
Comment: The NM_000018.3:c.1066A>G (NP_000009.1:p.Ile356Val) [GRCH38: NC_000017.11:g.7222854A>G] variant in ACADVL gene is interpretated to be Benign based on ACMG guidelines (PMID: 25741868). This variant has been reported. This variant meets the following evidence codes reported in the ACMG guidelines: BS1, BS2

Illumina Laboratory Services, Illumina
Classification: Uncertain significance for Very long chain acyl-CoA dehydrogenase deficiency. Last evaluated: 2017-04-28. Review status: criteria provided, single submitter. Criteria: ICSL Variant Classification Criteria 13 December 2019. Collection method: clinical testing. Allele origin: germline. Not counted in ClinVar's aggregate classification.
Comment: This variant was observed as part of a predisposition screen in an ostensibly healthy population. A literature search was performed for the gene, cDNA change, and amino acid change (where applicable). Publications were found based on this search. However, the evidence from the literature, in combination with allele frequency data from public databases where available, was not sufficient to rule this variant in or out of causing disease. Therefore, this variant is classified as a variant of unknown significance.

Eurofins Ntd Llc (ga)
Classification: Benign. Last evaluated: 2014-10-16. Review status: criteria provided, single submitter. Criteria: EGL Classification Definitions 2015. Collection method: clinical testing. Allele origin: germline. Observed: 6 variant alleles, 6 heterozygotes. Not counted in ClinVar's aggregate classification.

PreventionGenetics, part of Exact Sciences
Classification: Likely benign. Review status: criteria provided, single submitter. Criteria: ACMG Guidelines, 2015. Collection method: clinical testing. Allele origin: germline. Not counted in ClinVar's aggregate classification.

Literature cited by the submitters: PubMed 37671074 (cited by Dasa); PubMed 33123633 (cited by 3 submitters); PubMed 31031081 (cited by 3 submitters); PubMed 27209629 (cited by 4 submitters); PubMed 26385305 (cited by 3 submitters); PubMed 30194637 (cited by Women's Health and Genetics/Laboratory Corporation of America, LabCorp and Myriad Genetics, Inc.); PubMed 23867825 (cited by 3 submitters); PubMed 20480395 (cited by Myriad Genetics, Inc.).